The following is an entry in ClinVar:

ClinVar aggregate classification (germline): Uncertain significance. Review status: criteria provided, multiple submitters, no conflicts (2 of 4 stars). 2 submissions from 2 submitters: Uncertain significance (2). Last evaluated 2025-05-04.

Conditions:
Immunodeficiency 14 (IMD14A). Also called: ACTIVATED PI3K-DELTA SYNDROME 1; Activated PI3K Delta Syndrome Type 1 (APDS1); p110-DELTA-ACTIVATING MUTATION CAUSING SENESCENT T CELLS, LYMPHADENOPATHY, AND IMMUNODEFICIENCY; IMMUNODEFICIENCY 14A WITH LYMPHOPROLIFERATION, AUTOSOMAL DOMINANT. Identifiers: Orphanet 397596, Orphanet 693661, MedGen C5907821, MONDO:0014222, OMIM 615513.

gnomAD v4.1: 1 of 1,613,996 alleles (0.000062%); highest among the groups gnomAD compares: Non-Finnish European, 0.000085%; no homozygotes.

Submissions (2):

Labcorp Genetics (formerly Invitae), Labcorp
Classification: Uncertain significance for Activated PI3K-delta syndrome. Last evaluated: 2025-05-04. Review status: criteria provided, single submitter. Criteria: Invitae Variant Classification Sherloc (09022015). Collection method: clinical testing. Allele origin: germline.
Comment: This sequence change replaces proline, which is neutral and non-polar, with leucine, which is neutral and non-polar, at codon 304 of the PIK3CD protein (p.Pro304Leu). This variant is not present in population databases (gnomAD no frequency). This variant has not been reported in the literature in individuals affected with PIK3CD-related conditions. ClinVar contains an entry for this variant (Variation ID: 3774256). Invitae Evidence Modeling of protein sequence and biophysical properties (such as structural, functional, and spatial information, amino acid conservation, physicochemical variation, residue mobility, and thermodynamic stability) indicates that this missense variant is not expected to disrupt PIK3CD protein function with a negative predictive value of 80%. In summary, the available evidence is currently insufficient to determine the role of this variant in disease. Therefore, it has been classified as a Variant of Uncertain Significance.

GeneDx
Classification: Uncertain significance. Last evaluated: 2024-09-19. Review status: criteria provided, single submitter. Criteria: GeneDx Variant Classification Process June 2021. Collection method: clinical testing. Allele origin: germline. Affected: yes.
Comment: Not observed at significant frequency in large population cohorts (gnomAD); In silico analysis indicates that this missense variant does not alter protein structure/function; Has not been previously published as pathogenic or benign to our knowledge

NM_005026.5(PIK3CD):c.911C>T (p.Pro304Leu)

Gene: PIK3CD (phosphatidylinositol-4,5-bisphosphate 3-kinase catalytic subunit delta; plus strand). Cytogenetic location: 1p36.22.
Variant type: single nucleotide variant.
Coding change: c.911C>T on transcript NM_005026.5 (MANE Select); coding-DNA position 911, C replaced by T.
Protein change: p.Pro304Leu; replaces proline 304 with leucine.
Molecular consequence: missense variant.
Genome position (GRCh38, 1-based): chr1:9,717,089, C>T. VCF-style: chr1-9717089-C-T. GRCh37 (hg19) VCF-style: chr1-9777147-C-T.
Other names: c.911C>T, p.Pro304Leu (NM_001350234.2); c.824C>T, p.Pro275Leu (NM_001350235.1); short protein forms P275L, P304L.
Identifiers: ClinVar variation 3774256 (VCV003774256.2).